The following is an entry in ClinVar:

NM_003924.4(PHOX2B):c.599C>A (p.Pro200His)

Gene: PHOX2B (paired like homeobox 2B; minus strand). Cytogenetic location: 4p13.
Variant type: single nucleotide variant.
Coding change: c.599C>A on transcript NM_003924.4 (MANE Select); coding-DNA position 599, C replaced by A.
Protein change: p.Pro200His; replaces proline 200 with histidine.
Molecular consequence: missense variant.
Genome position (GRCh38, 1-based): chr4:41,746,153, G>T on the plus strand (C>A on the coding strand, the complement: PHOX2B is on the minus strand). VCF-style: chr4-41746153-G-T. GRCh37 (hg19) VCF-style: chr4-41748170-G-T.
Other names: short protein forms P200H.
Identifiers: ClinVar variation 1351025 (VCV001351025.6), dbSNP rs964285984, ClinGen allele CA356737802.
Genomic context (GRCh38, chr4:41,746,153, plus strand): 5'-GGGCTGGGCCCGCCGCCGCCGCCTCCATTCGCCCCGCAGCTGGGGGTGGGGTTGGGATTG[G>T]GACCTGGGCCCCCAGTGCTGTCCGGGTCAGTGCTCTTGGCCTCTTTGCTCTCGTCGTCCC-3'
Protein context (NP_003915.2, residues 190-210): TDPDSTGGPG[Pro200His]NPNPTPSCGA

ClinVar aggregate classification (germline): Uncertain significance (1 of 4 stars; one submission).

Conditions:
Haddad syndrome (OHD). Also called: Ondine-Hirschsprung disease. Identifiers: Orphanet 99803, MedGen C1859049, MONDO:0020493.

Submission:

Labcorp Genetics (formerly Invitae), Labcorp
Classification: Uncertain significance for Haddad syndrome. Last evaluated: 2021-08-14. Review status: criteria provided, single submitter. Criteria: Invitae Variant Classification Sherloc (09022015). Collection method: clinical testing. Allele origin: germline.
Comment: This variant is not present in population databases (ExAC no frequency). In summary, the available evidence is currently insufficient to determine the role of this variant in disease. Therefore, it has been classified as a Variant of Uncertain Significance. Algorithms developed to predict the effect of missense changes on protein structure and function are either unavailable or do not agree on the potential impact of this missense change (SIFT: "Deleterious"; PolyPhen-2: "Not Available"; Align-GVGD: "Class C0"). This variant has not been reported in the literature in individuals affected with PHOX2B-related conditions. This sequence change replaces proline with histidine at codon 200 of the PHOX2B protein (p.Pro200His). The proline residue is highly conserved and there is a moderate physicochemical difference between proline and histidine.